The following is an entry in ClinVar:

ClinVar aggregate classification (germline): Uncertain significance (1 of 4 stars; one submission).

Allele frequency attached by ClinVar (database versions not stated): 1000 Genomes Project 30x 0.00016; 1000 Genomes Project 0.00020.
gnomAD v4.1: 56 of 1,613,284 alleles (0.0035%); highest among the groups gnomAD compares: Middle Eastern, 0.066%; no homozygotes.

Submission:

Labcorp Genetics (formerly Invitae), Labcorp
Classification: Uncertain significance. Last evaluated: 2024-10-29. Review status: criteria provided, single submitter. Criteria: Invitae Variant Classification Sherloc (09022015). Collection method: clinical testing. Allele origin: germline.
Comment: This sequence change replaces arginine, which is basic and polar, with histidine, which is basic and polar, at codon 799 of the CTDP1 protein (p.Arg799His). This variant is present in population databases (rs543624840, gnomAD 0.04%). This variant has not been reported in the literature in individuals affected with CTDP1-related conditions. ClinVar contains an entry for this variant (Variation ID: 1492323). An algorithm developed to predict the effect of missense changes on protein structure and function outputs the following: PolyPhen-2: "Benign". The histidine amino acid residue is found in multiple mammalian species, which suggests that this missense change does not adversely affect protein function. In summary, the available evidence is currently insufficient to determine the role of this variant in disease. Therefore, it has been classified as a Variant of Uncertain Significance.

NM_004715.5(CTDP1):c.2396G>A (p.Arg799His)

Gene: CTDP1 (CTD phosphatase subunit 1; plus strand). Cytogenetic location: 18q23.
Variant type: single nucleotide variant.
Coding change: c.2396G>A on transcript NM_004715.5 (MANE Select); coding-DNA position 2396, G replaced by A.
Protein change: p.Arg799His; replaces arginine 799 with histidine.
Molecular consequence: missense variant.
Genome position (GRCh38, 1-based): chr18:79,717,995, G>A. VCF-style: chr18-79717995-G-A. GRCh37 (hg19) VCF-style: chr18-77477995-G-A.
Other names: c.2039G>A, p.Arg680His (NM_001202504.1); c.2396G>A, p.Arg799His (NM_001318511.2, NM_048368.4); short protein forms R680H, R799H.
Identifiers: ClinVar variation 1492323 (VCV001492323.4), dbSNP rs543624840, ClinGen allele CA9010576.